The following is an entry in ClinVar:

NM_178140.4(PDZD2):c.7440C>T (p.Ser2480=)

Gene: PDZD2 (PDZ domain containing 2; plus strand). Cytogenetic location: 5p13.3.
Variant type: single nucleotide variant.
Coding change: c.7440C>T on transcript NM_178140.4 (MANE Select); coding-DNA position 7440, C replaced by T.
Protein change: p.Ser2480=; no amino-acid change (serine 2480 retained).
Molecular consequence: synonymous variant.
Genome position (GRCh38, 1-based): chr5:32,090,888, C>T. VCF-style: chr5-32090888-C-T. GRCh37 (hg19) VCF-style: chr5-32090994-C-T.
Identifiers: ClinVar variation 3040055 (VCV003040055.2), dbSNP rs36010594, ClinGen allele CA3220319.

ClinVar aggregate classification (germline): Benign (0 of 4 stars; one submission).

Conditions:
PDZD2-related disorder. Also called: PDZD2-related condition.

Allele frequency attached by ClinVar (database versions not stated): gnomAD exomes 0.00026; ExAC 0.00083; ESP Exome Variant Server 0.00246; gnomAD 0.00288; TOPMed 0.00306; 1000 Genomes Project 30x 0.00375; 1000 Genomes Project 0.00399.
gnomAD v4.1: 840 of 1,614,034 alleles (0.052%); highest among the groups gnomAD compares: African/African-American, 1%; 5 homozygotes.

Submission:

PreventionGenetics, part of Exact Sciences
Classification: Benign for PDZD2-related condition. Last evaluated: 2019-09-18. Review status: no assertion criteria provided. Collection method: clinical testing. Allele origin: germline.
Comment: This variant is classified as benign based on ACMG/AMP sequence variant interpretation guidelines (Richards et al. 2015 PMID: 25741868, with internal and published modifications).